The following is an entry in ClinVar:

NM_005585.5(SMAD6):c.527C>T (p.Thr176Met)

Gene: SMAD6 (SMAD family member 6; plus strand). Cytogenetic location: 15q22.31.
Variant type: single nucleotide variant.
Coding change: c.527C>T on transcript NM_005585.5 (MANE Select); coding-DNA position 527, C replaced by T.
Protein change: p.Thr176Met; replaces threonine 176 with methionine.
Molecular consequence: missense variant. On other transcripts: non-coding transcript variant (1).
Genome position (GRCh38, 1-based): chr15:66,703,785, C>T. VCF-style: chr15-66703785-C-T. GRCh37 (hg19) VCF-style: chr15-66996123-C-T.
Other names: short protein forms T176M.
Identifiers: ClinVar variation 4737364 (VCV004737364.1).
Genomic context (GRCh38, chr15:66,703,785, plus strand): 5'-GGCGGAGTCGCGAAGCGCGCTCGCGGCTGCTGCTGCTGGAGCAGGAACTCAAAACCGTCA[C>T]GTACTCGCTGCTGAAGCGGCTCAAGGAGCGCTCGCTGGACACGCTGCTGGAGGCGGTGGA-3'
Protein context (NP_005576.3, residues 166-186): LLLEQELKTV[Thr176Met]YSLLKRLKER

ClinVar aggregate classification (germline): Uncertain significance (1 of 4 stars; one submission).

Conditions:
Aortic valve disease 2 (AOVD2). Identifiers: MedGen C3542024, MONDO:0013902, OMIM 614823.

Submission:

Labcorp Genetics (formerly Invitae), Labcorp
Classification: Uncertain significance for Aortic valve disease 2. Last evaluated: 2025-10-07. Review status: criteria provided, single submitter. Criteria: Invitae Variant Classification Sherloc (09022015). Collection method: clinical testing. Allele origin: germline.
Comment: This sequence change replaces threonine, which is neutral and polar, with methionine, which is neutral and non-polar, at codon 176 of the SMAD6 protein (p.Thr176Met). This variant is not present in population databases (gnomAD no frequency). This variant has not been reported in the literature in individuals affected with SMAD6-related conditions. Invitae Evidence Modeling of protein sequence and biophysical properties (such as structural, functional, and spatial information, amino acid conservation, physicochemical variation, residue mobility, and thermodynamic stability) indicates that this missense variant is not expected to disrupt SMAD6 protein function with a negative predictive value of 80%. In summary, the available evidence is currently insufficient to determine the role of this variant in disease. Therefore, it has been classified as a Variant of Uncertain Significance.